The following is an entry in ClinVar:

NM_182914.3(SYNE2):c.11605A>C (p.Asn3869His)

Gene: SYNE2 (spectrin repeat containing nuclear envelope protein 2; plus strand). Cytogenetic location: 14q23.2.
Variant type: single nucleotide variant.
Coding change: c.11605A>C on transcript NM_182914.3 (MANE Select); coding-DNA position 11605, A replaced by C.
Protein change: p.Asn3869His; replaces asparagine 3869 with histidine.
Molecular consequence: missense variant.
Genome position (GRCh38, 1-based): chr14:64,087,791, A>C. VCF-style: chr14-64087791-A-C. GRCh37 (hg19) VCF-style: chr14-64554509-A-C.
Other names: c.11605A>C, p.Asn3869His (NM_015180.6); short protein forms N3869H.
Identifiers: ClinVar variation 4883038 (VCV004883038.2).

ClinVar aggregate classification (germline): Uncertain significance (1 of 4 stars; one submission).

Submission:

Dasa
Classification: Uncertain significance. Last evaluated: 2026-04-06. Review status: criteria provided, single submitter. Criteria: DASA Assertion Criteria. Collection method: clinical testing. Allele origin: germline.
Comment: NM_182914.3(SYNE2):c.11605A>C (p.Asn3869His) is a missense variant that results in the substitution of asparagine with histidine. This variant is rare in population databases. Computational prediction algorithms are consistent with a benign effect. The currently available literature and clinical evidence are not sufficient to establish a definitive association between this variant and the reported condition. Therefore, this variant is classified as a variant of uncertain significance.